The following is an entry in ClinVar:

ClinVar aggregate classification (germline): Pathogenic (1 of 4 stars; one submission).

Allele frequency attached by ClinVar (database versions not stated): gnomAD exomes below 0.00001.

Submission:

Labcorp Genetics (formerly Invitae), Labcorp
Classification: Pathogenic. Last evaluated: 2024-10-03. Review status: criteria provided, single submitter. Criteria: Invitae Variant Classification Sherloc (09022015). Collection method: clinical testing. Allele origin: germline.
Comment: This sequence change creates a premature translational stop signal (p.Val383Aspfs*34) in the CLCN7 gene. It is expected to result in an absent or disrupted protein product. Loss-of-function variants in CLCN7 are known to be pathogenic (PMID: 14584882, 19953639). This variant is present in population databases (no rsID available, gnomAD 0.0009%). This variant has not been reported in the literature in individuals affected with CLCN7-related conditions. ClinVar contains an entry for this variant (Variation ID: 2049877). Algorithms developed to predict the effect of sequence changes on RNA splicing suggest that this variant may create or strengthen a splice site. For these reasons, this variant has been classified as Pathogenic.

Literature cited by the submitters: PubMed 14584882; PubMed 19953639.

NM_001287.6(CLCN7):c.1147_1148insA (p.Val383fs)

Gene: CLCN7 (chloride voltage-gated channel 7; minus strand). Cytogenetic location: 16p13.3.
Variant type: Insertion.
Coding change: c.1147_1148insA on transcript NM_001287.6 (MANE Select); coding-DNA positions 1147 to 1148, A inserted.
Protein change: p.Val383fs; shifts the reading frame from valine 383.
Molecular consequence: frameshift variant.
Genome position: GRCh38 VCF-style: chr16-1454416-A-AT. GRCh37 (hg19) VCF-style: chr16-1504417-A-AT.
Other names: c.1075_1076insA, p.Val359fs (NM_001114331.3); short protein forms V383fs, V359fs.
Identifiers: ClinVar variation 2049877 (VCV002049877.4), dbSNP rs1437680207, ClinGen allele CA620325789.
Genomic context (GRCh38, chr16:1,454,416, plus strand): 5'-TCACAGCTGAGCCAGGCCCGCAGGCCGTCCCTGCGGTGCTGGGAGAAGCCCTTACCCACC[A>AT]CGCCCATGGCGATGAAGACCGGGATCTCGTGGATCGTGTAGGCCATTTTCTGTGCAGAGA-3'